The following is an entry in ClinVar:

ClinVar aggregate classification (germline): Pathogenic (1 of 4 stars; one submission).

Submission:

Labcorp Genetics (formerly Invitae), Labcorp
Classification: Pathogenic. Last evaluated: 2022-11-08. Review status: criteria provided, single submitter. Criteria: Invitae Variant Classification Sherloc (09022015). Collection method: clinical testing. Allele origin: germline.
Comment: This sequence change creates a premature translational stop signal (p.Arg258Alafs*18) in the LRP5 gene. It is expected to result in an absent or disrupted protein product. Loss-of-function variants in LRP5 are known to be pathogenic (PMID: 11719191, 16252235, 25711638). For these reasons, this variant has been classified as Pathogenic. ClinVar contains an entry for this variant (Variation ID: 1374334). This variant has not been reported in the literature in individuals affected with LRP5-related conditions. This variant is not present in population databases (gnomAD no frequency).

Literature cited by the submitters: PubMed 11719191; PubMed 16252235; PubMed 25711638.

NM_002335.4(LRP5):c.772del (p.Arg258fs)

Gene: LRP5 (LDL receptor related protein 5; plus strand). Cytogenetic location: 11q13.2.
Variant type: Deletion.
Coding change: c.772del on transcript NM_002335.4 (MANE Select); coding-DNA position 772, one base deleted (C; older notation c.772delC).
Protein change: p.Arg258fs; shifts the reading frame from arginine 258.
Molecular consequence: frameshift variant. On other transcripts: 5 prime UTR variant (1).
Genome position (GRCh38, 1-based): chr11:68,363,832, C deleted; the last of 3 consecutive C bases (chr11:68,363,830-68,363,832); deleting any one gives the same sequence. VCF-style (leftmost placement, unchanged base first): chr11-68363829-AC-A. GRCh37 (hg19) VCF-style: chr11-68131297-AC-A.
Other names: c.-994del (NM_001291902.2); short protein forms R258fs.
Identifiers: ClinVar variation 1374334 (VCV001374334.6), dbSNP rs2153139453, ClinGen allele CA2573147523.